The following is an entry in ClinVar:

NM_138927.4(SON):c.4306C>T (p.Pro1436Ser)

Gene: SON (SON DNA and RNA binding protein; plus strand). Cytogenetic location: 21q22.11.
Variant type: single nucleotide variant.
Coding change: c.4306C>T on transcript NM_138927.4 (MANE Select); coding-DNA position 4306, C replaced by T.
Protein change: p.Pro1436Ser; replaces proline 1436 with serine.
Molecular consequence: missense variant. On other transcripts: non-coding transcript variant (1), intron variant (1).
Genome position (GRCh38, 1-based): chr21:33,553,537, C>T. VCF-style: chr21-33553537-C-T. GRCh37 (hg19) VCF-style: chr21-34925843-C-T.
Other names: c.4306C>T, p.Pro1436Ser (NM_001291411.2, NM_001412133.1, NM_032195.3 and 2 more transcripts); c.245-3619C>T (NM_001291412.3); short protein forms P1436S.
Identifiers: ClinVar variation 1719440 (VCV001719440.5), dbSNP rs2517380155, ClinGen allele CA410162348.

ClinVar aggregate classification (germline): Uncertain significance (1 of 4 stars; one submission).

Submission:

Labcorp Genetics (formerly Invitae), Labcorp
Classification: Uncertain significance. Last evaluated: 2022-09-14. Review status: criteria provided, single submitter. Criteria: Invitae Variant Classification Sherloc (09022015). Collection method: clinical testing. Allele origin: germline.
Comment: This sequence change replaces proline, which is neutral and non-polar, with serine, which is neutral and polar, at codon 1436 of the SON protein (p.Pro1436Ser). This variant is not present in population databases (gnomAD no frequency). This variant has not been reported in the literature in individuals affected with SON-related conditions. Algorithms developed to predict the effect of missense changes on protein structure and function output the following: SIFT: "Deleterious"; PolyPhen-2: "Probably Damaging"; Align-GVGD: "Class C0". The serine amino acid residue is found in multiple mammalian species, which suggests that this missense change does not adversely affect protein function. In summary, the available evidence is currently insufficient to determine the role of this variant in disease. Therefore, it has been classified as a Variant of Uncertain Significance.